The following is an entry in ClinVar:

NM_007294.4(BRCA1):c.5045A>C (p.Glu1682Ala)

Gene: BRCA1 (BRCA1 DNA repair associated; minus strand). Cytogenetic location: 17q21.31.
Variant type: single nucleotide variant.
Coding change: c.5045A>C on transcript NM_007294.4 (MANE Select); coding-DNA position 5045, A replaced by C.
Protein change: p.Glu1682Ala; replaces glutamic acid 1682 with alanine.
Molecular consequence: missense variant. On other transcripts: non-coding transcript variant (1).
Genome position (GRCh38, 1-based): chr17:43,067,637, T>G on the plus strand (A>C on the coding strand, the complement: BRCA1 is on the minus strand). VCF-style: chr17-43067637-T-G. GRCh37 (hg19) VCF-style: chr17-41219654-T-G.
Other names: c.1607A>C, p.Glu536Ala (NM_001408448.1, NM_001408450.1, NM_001408447.1 and 2 more transcripts); c.1601A>C, p.Glu534Ala (NM_001408451.1); c.1595A>C, p.Glu532Ala (NM_001408452.1, NM_001408453.1, NM_001408454.1 and 3 more transcripts); c.1592A>C, p.Glu531Ala (NM_001408467.1, NM_001408458.1, NM_001408459.1 and 7 more transcripts); c.1589A>C, p.Glu530Ala (NM_001408468.1, NM_001408469.1, NM_001408470.1); c.1733A>C, p.Glu578Ala (NM_001408472.1, NM_007298.4, NM_007299.4 and 13 more transcripts); c.1730A>C, p.Glu577Ala (NM_001408473.1, NM_001408392.1, NM_001408396.1 and 8 more transcripts); c.1535A>C, p.Glu512Ala (NM_001408474.1); and 70 more; short protein forms E1635A, E1703A, E1682A, E578A, E1386A, E1553A, E1555A, E1570A.
Identifiers: ClinVar variation 867568 (VCV000867568.3), dbSNP rs80357265, ClinGen allele CA10591429.
Genomic context (GRCh38, chr17:43,067,637, plus strand): 5'-GCAAGGTATTCTGTAAAGGTTCTTGGTATACCTGTTTTCATAACAACATGAGTAGTCTCT[T>G]CAGTAATTAGATTAGTTAAAGTGATGTGGTGTTTTCTGGCAAACTTGTACACGAGCATCT-3'
Protein context (NP_009225.1, residues 1672-1692): HHITLTNLIT[Glu1682Ala]ETTHVVMKTD

Conditions:
Breast-ovarian cancer, familial, susceptibility to, 1 (BROVCA1). Also called: BRCA1 Hereditary Breast and Ovarian Cancer; OVARIAN CANCER, SUSCEPTIBILITY TO. Identifiers: Orphanet 145, MedGen C2676676, MONDO:0011450, OMIM 604370. Disease mechanism: loss of function.

Submission:

Brotman Baty Institute, University of Washington
No classification provided (evidence only). Condition: Breast-ovarian cancer, familial 1. Review status: no classification provided. Collection method: in vitro. Allele origin: not applicable. Functional consequence: functionally_normal.
ClinVar note: "not provided" was previously submitted as the classification for the variant. However, the classification appeared to be based only on an observation of functional data so it was converted to no classification on 2025-07-30.